The following is an entry in ClinVar:

ClinVar aggregate classification (germline): Uncertain significance (1 of 4 stars; one submission).

Conditions:
Hereditary cancer-predisposing syndrome. Also called: Tumor predisposition; Hereditary neoplastic syndrome; Hereditary Cancer Syndrome; Neoplastic Syndromes, Hereditary. Identifiers: Orphanet 140162, MedGen C0027672, MeSH D009386, MONDO:0015356.

Submission:

Ambry Genetics
Classification: Uncertain significance for Hereditary cancer-predisposing syndrome. Last evaluated: 2025-04-18. Review status: criteria provided, single submitter. Criteria: Ambry Variant Classification Scheme 2023. Collection method: clinical testing. Allele origin: germline.
Comment: The p.V657A variant (also known as c.1970T>C), located in coding exon 15 of the SDHA gene, results from a T to C substitution at nucleotide position 1970. The valine at codon 657 is replaced by alanine, an amino acid with similar properties. This amino acid position is conserved. In addition, the in silico prediction for this alteration is inconclusive. Based on the available evidence, the clinical significance of this variant remains unclear.

NM_004168.4(SDHA):c.1970T>C (p.Val657Ala)

Gene: SDHA (succinate dehydrogenase complex flavoprotein subunit A; plus strand). Cytogenetic location: 5p15.33.
Variant type: single nucleotide variant.
Coding change: c.1970T>C on transcript NM_004168.4 (MANE Select); coding-DNA position 1970, T replaced by C.
Protein change: p.Val657Ala; replaces valine 657 with alanine.
Molecular consequence: missense variant.
Genome position (GRCh38, 1-based): chr5:256,395, T>C. VCF-style: chr5-256395-T-C. GRCh37 (hg19) VCF-style: chr5-256510-T-C.
Other names: c.1826T>C, p.Val609Ala (NM_001294332.2); c.1727T>C, p.Val576Ala (NM_001330758.2); short protein forms V576A, V657A, V609A.
Identifiers: ClinVar variation 3951347 (VCV003951347.1).
Genomic context (GRCh38, chr5:256,395, plus strand): 5'-TCACTCTGGAATATAGACCCGTGATCGACAAAACTTTGAACGAGGCTGACTGTGCCACCG[T>C]CCCGCCAGCCATTCGCTCCTACTGATGAGACAAGATGTGGTGATGACAGAATCAGCTTTT-3'
Protein context (NP_004159.2, residues 647-664): KTLNEADCAT[Val657Ala]PPAIRSY